The following is an entry in ClinVar:

ClinVar aggregate classification (germline): Uncertain significance (1 of 4 stars; one submission).

Submission:

GeneDx
Classification: Uncertain significance. Last evaluated: 2024-07-10. Review status: criteria provided, single submitter. Criteria: GeneDx Variant Classification Process June 2021. Collection method: clinical testing. Allele origin: germline. Affected: yes.
Comment: Not observed at significant frequency in large population cohorts (gnomAD); In silico analysis indicates that this missense variant does not alter protein structure/function; Has not been previously published as pathogenic or benign to our knowledge

NM_000047.3(ARSL):c.559T>C (p.Ser187Pro)

Gene: ARSL (arylsulfatase L; minus strand). Cytogenetic location: Xp22.33.
Variant type: single nucleotide variant.
Coding change: c.559T>C on transcript NM_000047.3 (MANE Select); coding-DNA position 559, T replaced by C.
Protein change: p.Ser187Pro; replaces serine 187 with proline.
Molecular consequence: missense variant.
Genome position (GRCh38, 1-based): chrX:2,949,599, A>G on the plus strand (T>C on the coding strand, the complement: ARSL is on the minus strand). VCF-style: chrX-2949599-A-G. GRCh37 (hg19) VCF-style: chrX-2867640-A-G.
Other names: c.634T>C, p.Ser212Pro (NM_001282628.2, NM_001369080.1); c.397T>C, p.Ser133Pro (NM_001282631.2); c.586T>C, p.Ser196Pro (NM_001369079.1); short protein forms S212P, S133P, S187P, S196P.
Identifiers: ClinVar variation 3572809 (VCV003572809.1).